The following is an entry in ClinVar:

NM_001042492.3(NF1):c.3641T>G (p.Met1214Arg)

Gene: NF1 (neurofibromin 1; plus strand). Cytogenetic location: 17q11.2.
Variant type: single nucleotide variant.
Coding change: c.3641T>G on transcript NM_001042492.3 (MANE Select); coding-DNA position 3641, T replaced by G.
Protein change: p.Met1214Arg; replaces methionine 1214 with arginine.
Molecular consequence: missense variant.
Genome position (GRCh38, 1-based): chr17:31,233,146, T>G. VCF-style: chr17-31233146-T-G. GRCh37 (hg19) VCF-style: chr17-29560164-T-G.
Other names: c.3641T>G, p.Met1214Arg (NM_000267.4); short protein forms M1214R.
Identifiers: ClinVar variation 570979 (VCV000570979.7), dbSNP rs1567851416, ClinGen allele CA398990413.

ClinVar aggregate classification (germline): Pathogenic/Likely pathogenic. Review status: criteria provided, multiple submitters, no conflicts (2 of 4 stars). 2 submissions from 2 submitters: Pathogenic (1); Likely pathogenic (1). Last evaluated 2024-09-07.

Conditions:
Neurofibromatosis, type 1 (NF1). Also called: Peripheral type neurofibromatosis; VON RECKLINGHAUSEN DISEASE; Neurofibromatosis, type I; NEUROFIBROMATOSIS, TYPE I, SOMATIC. Identifiers: Orphanet 636, MedGen C0027831, MONDO:0018975, OMIM 162200. Disease mechanism: loss of function.

Submissions (2):

Quest Diagnostics Nichols Institute San Juan Capistrano
Classification: Pathogenic. Last evaluated: 2024-09-07. Review status: criteria provided, single submitter. Criteria: Quest Diagnostics criteria. Collection method: clinical testing. Allele origin: unknown.
Comment: In addition, this variant has been reported to occur de novo in an individual with clinical features of NF1 (Invitae, personal communication regarding ClinVar ID: 570979). It has not been reported in large, multi-ethnic general populations (Genome Aggregation Database). Analysis of this variant using bioinformatics tools for the prediction of the effect of amino acid changes on protein structure and function yielded predictions that this variant is damaging. Based on the available information, this variant is classified as pathogenic.

Labcorp Genetics (formerly Invitae), Labcorp
Classification: Likely pathogenic for Neurofibromatosis, type 1. Last evaluated: 2021-08-09. Review status: criteria provided, single submitter. Criteria: Invitae Variant Classification Sherloc (09022015). Collection method: clinical testing. Allele origin: germline.
Comment: This sequence change replaces methionine with arginine at codon 1214 of the NF1 protein (p.Met1214Arg). The methionine residue is moderately conserved and there is a moderate physicochemical difference between methionine and arginine. This variant is not present in population databases (ExAC no frequency). Algorithms developed to predict the effect of missense changes on protein structure and function are either unavailable or do not agree on the potential impact of this missense change (SIFT: "Deleterious"; PolyPhen-2: "Possibly Damaging"; Align-GVGD: "Class C0"). In summary, the currently available evidence indicates that the variant is pathogenic, but additional data are needed to prove that conclusively. Therefore, this variant has been classified as Likely Pathogenic.